The following is an entry in ClinVar:

ClinVar aggregate classification (germline): Uncertain significance. Review status: criteria provided, multiple submitters, no conflicts (2 of 4 stars). 2 submissions from 2 submitters: Uncertain significance (2). Last evaluated 2025-08-31.

Conditions:
Cardiovascular phenotype. Identifiers: MedGen CN230736.
Hypertrophic cardiomyopathy. Also called: HYPERTROPHIC MYOCARDIOPATHY. Identifiers: Orphanet 217569, MedGen C0007194, MeSH D002312, MONDO:0005045, HP:0001639.

Submissions (2):

Ambry Genetics
Classification: Uncertain significance for Cardiovascular phenotype. Last evaluated: 2025-08-31. Review status: criteria provided, single submitter. Criteria: Ambry Variant Classification Scheme 2023. Collection method: clinical testing. Allele origin: germline.

Labcorp Genetics (formerly Invitae), Labcorp
Classification: Uncertain significance for Hypertrophic cardiomyopathy. Last evaluated: 2022-04-29. Review status: criteria provided, single submitter. Criteria: Invitae Variant Classification Sherloc (09022015). Collection method: clinical testing. Allele origin: germline.
Comment: This sequence change replaces glycine, which is neutral and non-polar, with aspartic acid, which is acidic and polar, at codon 482 of the JPH2 protein (p.Gly482Asp). This variant is not present in population databases (gnomAD no frequency). In summary, the available evidence is currently insufficient to determine the role of this variant in disease. Therefore, it has been classified as a Variant of Uncertain Significance. Algorithms developed to predict the effect of missense changes on protein structure and function (SIFT, PolyPhen-2, Align-GVGD) all suggest that this variant is likely to be tolerated. This variant has not been reported in the literature in individuals affected with JPH2-related conditions.

NM_020433.5(JPH2):c.1445G>A (p.Gly482Asp)

Gene: JPH2 (junctophilin 2; minus strand). Cytogenetic location: 20q13.12.
Variant type: single nucleotide variant.
Coding change: c.1445G>A on transcript NM_020433.5 (MANE Select); coding-DNA position 1445, G replaced by A.
Protein change: p.Gly482Asp; replaces glycine 482 with aspartic acid.
Molecular consequence: missense variant.
Genome position (GRCh38, 1-based): chr20:44,116,230, C>T on the plus strand (G>A on the coding strand, the complement: JPH2 is on the minus strand). VCF-style: chr20-44116230-C-T. GRCh37 (hg19) VCF-style: chr20-42744870-C-T.
Other names: short protein forms G482D.
Identifiers: ClinVar variation 1973582 (VCV001973582.6), dbSNP rs2515718413, ClinGen allele CA409100613.